The following is an entry in ClinVar:

ClinVar aggregate classification (germline): Uncertain significance (1 of 4 stars; one submission).

Submission:

Ambry Genetics
Classification: Uncertain significance. Last evaluated: 2026-09-04. Review status: criteria provided, single submitter. Criteria: Ambry Variant Classification Scheme 2023. Collection method: clinical testing. Allele origin: germline.
Comment: The p.N346S variant (also known as c.1037A>G), located in coding exon 8 of the RINT1 gene, results from an A to G substitution at nucleotide position 1037. The asparagine at codon 346 is replaced by serine, an amino acid with highly similar properties. This amino acid position is conserved. In addition, this alteration is predicted to be tolerated by in silico analysis. Based on the available evidence, the clinical significance of this variant remains unclear.

NM_021930.6(RINT1):c.1037A>G (p.Asn346Ser)

Gene: RINT1 (RAD50 interactor 1; plus strand). Cytogenetic location: 7q22.3.
Variant type: single nucleotide variant.
Coding change: c.1037A>G on transcript NM_021930.6 (MANE Select); coding-DNA position 1037, A replaced by G.
Protein change: p.Asn346Ser; replaces asparagine 346 with serine.
Molecular consequence: missense variant. On other transcripts: non-coding transcript variant (1).
Genome position (GRCh38, 1-based): chr7:105,550,095, A>G. VCF-style: chr7-105550095-A-G. GRCh37 (hg19) VCF-style: chr7-105190542-A-G.
Other names: c.803A>G, p.Asn268Ser (NM_001346599.2); c.14A>G, p.Asn5Ser (NM_001346600.2, NM_001346603.2); c.113A>G, p.Asn38Ser (NM_001346601.2); short protein forms N346S, N38S, N268S, N5S.
Identifiers: ClinVar variation 5028300 (VCV005028300.1).